The following is an entry in ClinVar:

NM_001040142.2(SCN2A):c.3205A>T (p.Lys1069Ter)

Gene: SCN2A (sodium voltage-gated channel alpha subunit 2; plus strand). Cytogenetic location: 2q24.3.
Variant type: single nucleotide variant.
Coding change: c.3205A>T on transcript NM_001040142.2 (MANE Select); coding-DNA position 3205, A replaced by T.
Protein change: p.Lys1069Ter; replaces lysine 1069 with a stop codon.
Molecular consequence: nonsense.
Genome position (GRCh38, 1-based): chr2:165,354,477, A>T. VCF-style: chr2-165354477-A-T. GRCh37 (hg19) VCF-style: chr2-166210987-A-T.
Other names: c.3205A>T, p.Lys1069Ter (NM_001040143.2, NM_001371246.1, NM_001371247.1 and 1 more transcripts); short protein forms K1069*.
Identifiers: ClinVar variation 4291719 (VCV004291719.1).
Genomic context (GRCh38, chr2:165,354,477, plus strand): 5'-AAAGACAGCTGTATTTCCAACCATACCACCATAGAAATAGGCAAAGACCTCAATTATCTC[A>T]AAGACGGAAATGGAACTACTAGTGGCATAGGCAGCAGTGTAGAAAAATATGTCGTGGATG-3'

ClinVar aggregate classification (germline): Likely pathogenic (1 of 4 stars; one submission).

Conditions:
Developmental and epileptic encephalopathy, 11 (DEE11). Also called: Early infantile epileptic encephalopathy 11. Identifiers: Orphanet 1934, MedGen C3150987, MONDO:0013388, OMIM 613721.

Submission:

3billion
Classification: Likely pathogenic for Developmental and epileptic encephalopathy, 11. Last evaluated: 2024-06-27. Review status: criteria provided, single submitter. Criteria: ACMG Guidelines, 2015. Collection method: clinical testing. Allele origin: germline. Affected: yes.
Comment: The variant is not observed in the gnomAD v4.0.0 dataset. Predicted Consequence/Location: Stop-gained (nonsense): predicted to result in a loss or disruption of normal protein function through nonsense-mediated decay (NMD) or protein truncation. Multiple pathogenic variants are reported downstream of the variant. Therefore, this variant is classified as Likely pathogenic according to the recommendation of ACMG/AMP guideline.